The following is an entry in ClinVar:

NM_007294.4(BRCA1):c.5144G>T (p.Ser1715Ile)

Gene: BRCA1 (BRCA1 DNA repair associated; minus strand). Cytogenetic location: 17q21.31.
Variant type: single nucleotide variant.
Coding change: c.5144G>T on transcript NM_007294.4 (MANE Select); coding-DNA position 5144, G replaced by T.
Protein change: p.Ser1715Ile; replaces serine 1715 with isoleucine.
Molecular consequence: missense variant. On other transcripts: non-coding transcript variant (1).
Genome position (GRCh38, 1-based): chr17:43,063,882, C>A on the plus strand (G>T on the coding strand, the complement: BRCA1 is on the minus strand). VCF-style: chr17-43063882-C-A. GRCh37 (hg19) VCF-style: chr17-41215899-C-A.
Other names: c.4931G>T, p.Ser1644Ile (NM_001407571.1, NM_001407902.1, NM_001407904.1 and 12 more transcripts); c.5210G>T, p.Ser1737Ile (NM_001407581.1, NM_001407582.1); c.5207G>T, p.Ser1736Ile (NM_001407583.1, NM_001407585.1, NM_001407587.1 and 1 more transcripts); c.5204G>T, p.Ser1735Ile (NM_001407590.1, NM_001407591.1); c.5144G>T, p.Ser1715Ile (NM_001407593.1, NM_001407594.1, NM_001407596.1 and 7 more transcripts); c.5141G>T, p.Ser1714Ile (NM_001407610.1, NM_001407611.1, NM_001407612.1 and 17 more transcripts); c.5138G>T, p.Ser1713Ile (NM_001407628.1, NM_001407629.1, NM_001407630.1 and 14 more transcripts); c.5087G>T, p.Ser1696Ile (NM_001407648.1); and 71 more; short protein forms S1715I, S611I, S1668I, S1736I, S1419I, S1561I, S1587I, S1588I.
Identifiers: ClinVar variation 422674 (VCV000422674.5), dbSNP rs45444999, ClinGen allele CA10591256.

ClinVar aggregate classification (germline): Uncertain significance (1 of 4 stars; one submission).

Submissions (2):

GeneDx
Classification: Uncertain significance. Last evaluated: 2016-11-01. Review status: criteria provided, single submitter. Criteria: GeneDx Variant Classification (06012015). Collection method: clinical testing. Allele origin: germline. Affected: yes.
Comment: This variant is denoted BRCA1 c.5144G>T at the cDNA level, p.Ser1715Ile (S1715I) at the protein level, and results in the change of a Serine to an Isoleucine (AGC>ATC). Using alternate nomenclature, this variant would be defined as BRCA1 5263G>T. This variant has not, to our knowledge, been published in the literature as pathogenic or benign. BRCA1 Ser1715Ile was not observed in approximately 6,500 individuals of European and African American ancestry in the NHLBI Exome Sequencing Project, suggesting it is not a common benign variant in these populations. Since Serine and Isoleucine differ in polarity, charge, size or other properties, this is considered a non-conservative amino acid substitution. BRCA1 Ser1715Ile occurs at a position that is conserved in mammals and is located in the BRCT1 domain and a region known to interact with multiple other proteins (Paul 2014, UniProt). In silico analyses predict that this variant is probably damaging to protein structure and function. Based on currently available evidence, it is unclear whether BRCA1 Ser1715Ile is a pathogenic or benign variant. We consider it to be a variant of uncertain significance.

Brotman Baty Institute, University of Washington
No classification provided (evidence only). Condition: Breast-ovarian cancer, familial 1. Review status: no classification provided. Collection method: in vitro. Allele origin: not applicable. Functional consequence: functionally_abnormal. Not counted in ClinVar's aggregate classification.
ClinVar note: "not provided" was previously submitted as the classification for the variant. However, the classification appeared to be based only on an observation of functional data so it was converted to no classification on 2025-07-30.